The following is an entry in ClinVar:

NM_001162383.2(ARHGEF2):c.631G>C (p.Asp211His)

Gene: ARHGEF2 (Rho/Rac guanine nucleotide exchange factor 2; minus strand). Cytogenetic location: 1q22.
Variant type: single nucleotide variant.
Coding change: c.631G>C on transcript NM_001162383.2 (MANE Select); coding-DNA position 631, G replaced by C.
Protein change: p.Asp211His; replaces aspartic acid 211 with histidine.
Molecular consequence: missense variant.
Genome position (GRCh38, 1-based): chr1:155,965,081, C>G on the plus strand (G>C on the coding strand, the complement: ARHGEF2 is on the minus strand). VCF-style: chr1-155965081-C-G. GRCh37 (hg19) VCF-style: chr1-155934872-C-G.
Other names: c.628G>C, p.Asp210His (NM_001162384.2); c.550G>C, p.Asp184His (NM_001350110.2, NM_001350111.2); c.577G>C, p.Asp193His (NM_001350112.2); c.547G>C, p.Asp183His (NM_004723.4); short protein forms D183H, D184H, D193H, D210H, D211H.
Identifiers: ClinVar variation 4845576 (VCV004845576.1).

ClinVar aggregate classification (germline): Uncertain significance (1 of 4 stars; one submission).

gnomAD v4.1: 12 of 1,614,086 alleles (0.00074%); highest among the groups gnomAD compares: Non-Finnish European, 0.001%; no homozygotes.

Submission:

Greenwood Genetic Center Diagnostic Laboratories, Greenwood Genetic Center
Classification: Uncertain significance. Last evaluated: 2025-10-17. Review status: criteria provided, single submitter. Criteria: ACMG Guidelines, 2015. Collection method: clinical testing. Allele origin: germline. Affected: yes.
Comment: PM2